The following is an entry in ClinVar:

NM_201384.3(PLEC):c.6198G>T (p.Gln2066His)

Gene: PLEC (plectin; minus strand). Cytogenetic location: 8q24.3.
Variant type: single nucleotide variant.
Coding change: c.6198G>T on transcript NM_201384.3 (MANE Select); coding-DNA position 6198, G replaced by T.
Protein change: p.Gln2066His; replaces glutamine 2066 with histidine.
Molecular consequence: missense variant.
Genome position (GRCh38, 1-based): chr8:143,923,731, C>A on the plus strand (G>T on the coding strand, the complement: PLEC is on the minus strand). VCF-style: chr8-143923731-C-A. GRCh37 (hg19) VCF-style: chr8-144997899-C-A.
Other names: p.Gln2052His; c.6279G>T, p.Gln2093His (NM_000445.5); c.6156G>T, p.Gln2052His (NM_201378.4); c.6132G>T, p.Gln2044His (NM_201379.3); c.6609G>T, p.Gln2203His (NM_201380.4); c.6102G>T, p.Gln2034His (NM_201381.3); c.6198G>T, p.Gln2066His (NM_201382.4); c.6210G>T, p.Gln2070His (NM_201383.3); short protein forms Q2034H, Q2044H, Q2052H, Q2066H, Q2070H, Q2093H, Q2203H.
Identifiers: ClinVar variation 196765 (VCV000196765.21), dbSNP rs201574539, ClinGen allele CA244101.

ClinVar aggregate classification (germline): Conflicting classifications of pathogenicity. Review status: criteria provided, conflicting classifications (1 of 4 stars). 6 submissions from 6 submitters: Uncertain significance (1); Likely benign (4). 1 of the submissions does not count toward it. Last evaluated 2026-01-06.

Conditions:
PLEC-related disorder. Also called: PLEC-related disorders; PLEC-related condition.
Autosomal recessive limb-girdle muscular dystrophy type 2Q (LGMDR17). Also called: MUSCULAR DYSTROPHY, LIMB-GIRDLE, AUTOSOMAL RECESSIVE 17. Identifiers: Orphanet 254361, MedGen C3150989, MONDO:0013390, OMIM 613723.
Epidermolysis bullosa simplex with nail dystrophy (EBS5D). Identifiers: MedGen C4225309, MONDO:0014661, OMIM 616487.
Epidermolysis bullosa simplex 5C, with pyloric atresia (EBS5C). Also called: PLEC-Related Epidermolysis Bullosa with Pyloric Atresia; PLEC1-Related Epidermolysis Bullosa with Pyloric Atresia; Epidermolysis bullosa simplex with pyloric atresia. Identifiers: Orphanet 158684, MedGen C2677349, MONDO:0012807, OMIM 612138.
Epidermolysis bullosa simplex, Ogna type (EBS5A). Also called: Pidermolysis bullosa simplex 5A, Ogna type; EPIDERMOLYSIS BULLOSA SIMPLEX 5A, OGNA TYPE. Identifiers: Orphanet 79401, MedGen C0432317, MONDO:0007555, OMIM 131950.
Epidermolysis bullosa simplex 5B, with muscular dystrophy (EBS5B). Also called: EPIDERMOLYSIS BULLOSA SIMPLEX AND LIMB-GIRDLE MUSCULAR DYSTROPHY; Epidermolysis bullosa simplex with muscular dystrophy. Identifiers: Orphanet 257, MedGen C2931072, MONDO:0009181, OMIM 226670.

Allele frequency attached by ClinVar (database versions not stated): 1000 Genomes Project 0.00040; 1000 Genomes Project 30x 0.00094; ESP Exome Variant Server 0.00124; gnomAD 0.00143 and 0.00155; TOPMed 0.00153.
gnomAD v4.1: 404 of 1,545,746 alleles (0.026%); highest among the groups gnomAD compares: African/African-American, 0.49%; 2 homozygotes.

Submissions (6):

Labcorp Genetics (formerly Invitae), Labcorp
Classification: Likely benign for Autosomal recessive limb-girdle muscular dystrophy type 2Q; Epidermolysis bullosa simplex, Ogna type; Epidermolysis bullosa simplex with nail dystrophy; Epidermolysis bullosa simplex 5C, with pyloric atresia; Epidermolysis bullosa simplex 5B, with muscular dystrophy. Last evaluated: 2026-01-06. Review status: criteria provided, single submitter. Criteria: Invitae Variant Classification Sherloc (09022015). Collection method: clinical testing. Allele origin: germline.

Mayo Clinic Laboratories, Mayo Clinic
Classification: Likely benign. Last evaluated: 2025-04-26. Review status: criteria provided, single submitter. Criteria: ACMG Guidelines, 2015. Collection method: clinical testing. Allele origin: germline. Observed: 4 variant alleles.
Comment: BS1, BP4

Athena Diagnostics
Classification: Likely benign. Last evaluated: 2023-12-08. Review status: criteria provided, single submitter. Criteria: Athena Diagnostics Criteria. Collection method: clinical testing. Allele origin: unknown.

GeneDx
Classification: Likely benign. Last evaluated: 2020-05-11. Review status: criteria provided, single submitter. Criteria: GeneDx Variant Classification Process June 2021. Collection method: clinical testing. Allele origin: germline. Affected: yes.

Eurofins Ntd Llc (ga)
Classification: Uncertain significance. Last evaluated: 2018-05-15. Review status: criteria provided, single submitter. Criteria: EGL ClinVar v180209 classification definitions. Collection method: clinical testing. Allele origin: germline. Observed: 13 variant alleles, 13 heterozygotes.

PreventionGenetics, part of Exact Sciences
Classification: Likely benign for PLEC-related condition. Last evaluated: 2024-08-12. Review status: no assertion criteria provided. Collection method: clinical testing. Allele origin: germline. Not counted in ClinVar's aggregate classification.
Comment: This variant is classified as likely benign based on ACMG/AMP sequence variant interpretation guidelines (Richards et al. 2015 PMID: 25741868, with internal and published modifications).